The following is an entry in ClinVar:

ClinVar aggregate classification (germline): Conflicting classifications of pathogenicity. Review status: criteria provided, conflicting classifications (1 of 4 stars). 2 submissions from 2 submitters: Likely pathogenic (1); Uncertain significance (1). Last evaluated 2024-01-08.

Conditions:
Arrhythmogenic right ventricular dysplasia 11. Also called: Arrhythmogenic right ventricular dysplasia 11 with mild palmoplantar keratoderma and woolly hair; Arrhythmogenic Right Ventricular Dysplasia/Cardiomyopathy11; ARRHYTHMOGENIC RIGHT VENTRICULAR DYSPLASIA, FAMILIAL, 11. Identifiers: MedGen C1864850, MONDO:0012506, OMIM 610476.

Submissions (2):

Labcorp Genetics (formerly Invitae), Labcorp
Classification: Uncertain significance for Arrhythmogenic right ventricular dysplasia 11. Last evaluated: 2024-01-08. Review status: criteria provided, single submitter. Criteria: Invitae Variant Classification Sherloc (09022015). Collection method: clinical testing. Allele origin: germline.
Comment: This sequence change creates a premature translational stop signal (p.Phe829Leufs*27) in the DSC2 gene. While this is not anticipated to result in nonsense mediated decay, it is expected to disrupt the last 73 amino acid(s) of the DSC2 protein. This variant is not present in population databases (gnomAD no frequency). This variant has not been reported in the literature in individuals affected with DSC2-related conditions. ClinVar contains an entry for this variant (Variation ID: 199779). Experimental studies and prediction algorithms are not available or were not evaluated, and the functional significance of this variant is currently unknown. In summary, the available evidence is currently insufficient to determine the role of this variant in disease. Therefore, it has been classified as a Variant of Uncertain Significance.

GeneDx
Classification: Likely pathogenic. Last evaluated: 2020-10-06. Review status: criteria provided, single submitter. Criteria: GeneDx Variant Classification Process June 2021. Collection method: clinical testing. Allele origin: germline. Affected: yes.
Comment: Reported in a patient with arrhythmogenic right ventricular cardiomyopathy (ARVC); however, this patient also harbored an additional potentially disease-causing cardiogenetic variant (Groeneweg et al., 2015); Not observed in large population cohorts (Lek et al., 2016); Frameshift variant predicted to result in protein truncation, as the last 73 amino acids are replaced with 26 different amino acids, and other loss-of-function variants have been reported downstream in the Human Gene Mutation Database (Stenson et al., 2014); This variant is associated with the following publications: (PMID: 25820315)

NM_024422.6(DSC2):c.2487del (p.Phe829fs)

Gene: DSC2 (desmocollin 2; minus strand). Cytogenetic location: 18q12.1.
Variant type: Deletion.
Coding change: c.2487del on transcript NM_024422.6 (MANE Select); coding-DNA position 2487, one base deleted (T; older notation c.2487delT).
Protein change: p.Phe829fs; shifts the reading frame from phenylalanine 829.
Molecular consequence: frameshift variant.
Genome position (GRCh38, 1-based): chr18:31,068,915, A deleted on the plus strand (T on the coding strand, the reverse complement: DSC2 is on the minus strand); the first of 4 consecutive A bases (chr18:31,068,915-31,068,918); deleting any one gives the same sequence. VCF-style (leftmost placement, unchanged base first): chr18-31068914-TA-T. GRCh37 (hg19) VCF-style: chr18-28648880-TA-T.
Other names: c.2487delT (NM_024422.3); c.2487del (LRG_400t1); c.2487del, p.Phe829fs (NM_004949.5); short protein forms F829fs.
Identifiers: ClinVar variation 199779 (VCV000199779.7), dbSNP rs794728073, ClinGen allele CA022741.